The following is an entry in ClinVar:

NM_152468.5(TMC8):c.548A>G (p.Tyr183Cys)

Gene: TMC8 (transmembrane channel like 8; plus strand). Cytogenetic location: 17q25.3.
Variant type: single nucleotide variant.
Coding change: c.548A>G on transcript NM_152468.5 (MANE Select); coding-DNA position 548, A replaced by G.
Protein change: p.Tyr183Cys; replaces tyrosine 183 with cysteine.
Molecular consequence: missense variant.
Genome position (GRCh38, 1-based): chr17:78,133,422, A>G. VCF-style: chr17-78133422-A-G. GRCh37 (hg19) VCF-style: chr17-76129503-A-G.
Other names: short protein forms Y183C.
Identifiers: ClinVar variation 1046352 (VCV001046352.7), dbSNP rs756858053, ClinGen allele CA8796505.
Genomic context (GRCh38, chr17:78,133,422, plus strand): 5'-GCCTGGTGCTCACCCGGGCTGGGTATCTTCGTCGCTGTCCCCAGGCCTTCACCAACACCT[A>G]TCTCTTCTACGGTGCGTACCGAGTGGGGCCGGAGAGCAGCTCCGTGTACAGCATCCGCCT-3'
Protein context (NP_689681.2, residues 173-193): VLTGRAFTNT[Tyr183Cys]LFYGAYRVGP

ClinVar aggregate classification (germline): Uncertain significance (1 of 4 stars; one submission).

Conditions:
Epidermodysplasia verruciformis. Identifiers: Orphanet 302, MedGen C0014522, MONDO:0009176.

Allele frequency attached by ClinVar (database versions not stated): gnomAD 0.00001; gnomAD exomes 0.00001 and 0.00002; TOPMed 0.00001; ExAC 0.00002.
gnomAD v4.1: 10 of 1,613,612 alleles (0.00062%); highest among the groups gnomAD compares: Non-Finnish European, 0.00076%; no homozygotes.

Submission:

Labcorp Genetics (formerly Invitae), Labcorp
Classification: Uncertain significance for Epidermodysplasia verruciformis. Last evaluated: 2020-07-07. Review status: criteria provided, single submitter. Criteria: Invitae Variant Classification Sherloc (09022015). Collection method: clinical testing. Allele origin: germline.
Comment: This sequence change replaces tyrosine with cysteine at codon 183 of the TMC8 protein (p.Tyr183Cys). The tyrosine residue is weakly conserved and there is a large physicochemical difference between tyrosine and cysteine. This variant is present in population databases (rs756858053, ExAC 0.02%). This variant has not been reported in the literature in individuals with TMC8-related conditions. Algorithms developed to predict the effect of missense changes on protein structure and function are either unavailable or do not agree on the potential impact of this missense change (SIFT: "Tolerated"; PolyPhen-2: "Probably Damaging"; Align-GVGD: "Class C0"). In summary, the available evidence is currently insufficient to determine the role of this variant in disease. Therefore, it has been classified as a Variant of Uncertain Significance.